The following is an entry in ClinVar:

NM_001161403.3(LIMS2):c.577A>G (p.Met193Val)

Gene: LIMS2 (LIM zinc finger domain containing 2; minus strand). Cytogenetic location: 2q14.3.
Variant type: single nucleotide variant.
Coding change: c.577A>G on transcript NM_001161403.3 (MANE Select); coding-DNA position 577, A replaced by G.
Protein change: p.Met193Val; replaces methionine 193 with valine.
Molecular consequence: missense variant.
Genome position (GRCh38, 1-based): chr2:127,642,132, T>C on the plus strand (A>G on the coding strand, the complement: LIMS2 is on the minus strand). VCF-style: chr2-127642132-T-C. GRCh37 (hg19) VCF-style: chr2-128399707-T-C.
Other names: c.643A>G, p.Met215Val (NM_001136037.4); c.562A>G, p.Met188Val (NM_001161404.2); c.121A>G, p.Met41Val (NM_001256542.2); c.649A>G, p.Met217Val (NM_017980.5); short protein forms M188V, M215V, M217V, M41V, M193V.
Identifiers: ClinVar variation 1449157 (VCV001449157.6), dbSNP rs1469506308, ClinGen allele CA348425262.

ClinVar aggregate classification (germline): Uncertain significance (1 of 4 stars; one submission).

Conditions:
Autosomal recessive limb-girdle muscular dystrophy type 2W (MDRCMTT). Also called: Muscular dystrophy, autosomal recessive, with cardiomyopathy and triangular tongue; Muscular dystrophy, limb-girdle, type 2W. Identifiers: MedGen C4225192, MONDO:0014788, OMIM 616827.

Allele frequency attached by ClinVar (database versions not stated): gnomAD exomes below 0.00001 and 0.00003; TOPMed below 0.00001.

Submission:

Labcorp Genetics (formerly Invitae), Labcorp
Classification: Uncertain significance for Autosomal recessive limb-girdle muscular dystrophy type 2W. Last evaluated: 2021-11-14. Review status: criteria provided, single submitter. Criteria: Invitae Variant Classification Sherloc (09022015). Collection method: clinical testing. Allele origin: germline.
Comment: In summary, the available evidence is currently insufficient to determine the role of this variant in disease. Therefore, it has been classified as a Variant of Uncertain Significance. Algorithms developed to predict the effect of sequence changes on RNA splicing suggest that this variant may create or strengthen a splice site. Algorithms developed to predict the effect of missense changes on protein structure and function (SIFT, PolyPhen-2, Align-GVGD) all suggest that this variant is likely to be tolerated. This variant has not been reported in the literature in individuals affected with LIMS2-related conditions. The frequency data for this variant in the population databases is considered unreliable, as metrics indicate poor data quality at this position in the gnomAD database. This sequence change replaces methionine, which is neutral and non-polar, with valine, which is neutral and non-polar, at codon 215 of the LIMS2 protein (p.Met215Val).